The following is an entry in ClinVar:

NM_001292063.2(OTOG):c.1104-4A>C

Gene: OTOG (otogelin; plus strand). Cytogenetic location: 11p15.1.
Variant type: single nucleotide variant.
Coding change: c.1104-4A>C on transcript NM_001292063.2 (MANE Select); 4 bases into the intron before coding-DNA position 1104, A replaced by C.
Molecular consequence: intron variant.
Genome position (GRCh38, 1-based): chr11:17,559,048, A>C. VCF-style: chr11-17559048-A-C. GRCh37 (hg19) VCF-style: chr11-17580595-A-C.
Other names: c.1140-4A>C (NM_001277269.2).
Identifiers: ClinVar variation 504779 (VCV000504779.40), dbSNP rs149163390, ClinGen allele CA5905451.

ClinVar aggregate classification (germline): Benign/Likely benign. Review status: criteria provided, multiple submitters, no conflicts (2 of 4 stars). 5 submissions from 5 submitters: Benign (2); Likely benign (3). Last evaluated 2026-02-01.

Allele frequency attached by ClinVar (database versions not stated): TOPMed 0.00284; gnomAD exomes 0.00022 and 0.00049; ExAC 0.00048; 1000 Genomes Project 0.00220; gnomAD 0.00238 and 0.00257; 1000 Genomes Project 30x 0.00281.
gnomAD v4.1: 682 of 1,547,916 alleles (0.044%); highest among the groups gnomAD compares: African/African-American, 0.84%; 2 homozygotes.

Submissions (5):

Labcorp Genetics (formerly Invitae), Labcorp
Classification: Benign. Last evaluated: 2026-02-01. Review status: criteria provided, single submitter. Criteria: Invitae Variant Classification Sherloc (09022015). Collection method: clinical testing. Allele origin: germline.

Blueprint Genetics
Classification: Likely benign. Last evaluated: 2024-06-11. Review status: criteria provided, single submitter. Criteria: ACMG Guidelines, 2015. Collection method: clinical testing. Allele origin: germline.

CeGaT Center for Human Genetics Tuebingen
Classification: Likely benign. Last evaluated: 2022-07-01. Review status: criteria provided, single submitter. Criteria: CeGaT Center For Human Genetics Tuebingen Variant Classification Criteria Version 2. Collection method: clinical testing. Allele origin: germline. Affected: yes. Observed: 1 variant allele.
Comment: OTOG: BP4

GeneDx
Classification: Likely benign. Last evaluated: 2020-09-28. Review status: criteria provided, single submitter. Criteria: GeneDx Variant Classification Process June 2021. Collection method: clinical testing. Allele origin: germline. Affected: yes.

Laboratory for Molecular Medicine, Mass General Brigham Personalized Medicine
Classification: Benign. Last evaluated: 2014-11-24. Review status: criteria provided, single submitter. Criteria: LMM Criteria. Collection method: clinical testing. Allele origin: germline. Observed: 3 variant alleles.
Comment: 1140-4A>C in intron 9 of OTOG: This variant is not expected to have clinical sig nificance because it is not located within the conserved splice consensus sequen ce. It has been identified in 1.0% (5/492) of African chromosomes from a broad p opulation by the 1000 Genomes Project (dbSNP rs149163390).